The following is an entry in ClinVar:

NM_014795.4(ZEB2):c.219C>T (p.His73=)

Gene: ZEB2 (zinc finger E-box binding homeobox 2; minus strand). Cytogenetic location: 2q22.3.
Variant type: single nucleotide variant.
Coding change: c.219C>T on transcript NM_014795.4 (MANE Select); coding-DNA position 219, C replaced by T.
Protein change: p.His73=; no amino-acid change (histidine 73 retained).
Molecular consequence: synonymous variant.
Genome position (GRCh38, 1-based): chr2:144,429,881, G>A on the plus strand (C>T on the coding strand, the complement: ZEB2 is on the minus strand). VCF-style: chr2-144429881-G-A. GRCh37 (hg19) VCF-style: chr2-145187448-G-A.
Other names: c.219C>T, p.His73= (NM_001171653.2).
Identifiers: ClinVar variation 196468 (VCV000196468.22), dbSNP rs778851716, ClinGen allele CA243426.
Genomic context (GRCh38, chr2:144,429,881, plus strand): 5'-CACTCCACCCTCCCTTATTTCATCTTCCTCTTCCTCTCTTGGCAACAGAGCTTGGCTCAC[G>A]TGTGGGGAGGACTCATGGTTGGGCACACTAGCTGGACTCGTCTCCTGGTCCAGAGGGTTG-3'
Protein context (NP_055610.1, residues 63-83): ASVPNHESSP[His73=]VSQALLPREE

ClinVar aggregate classification (germline): Conflicting classifications of pathogenicity. Review status: criteria provided, conflicting classifications (1 of 4 stars). 6 submissions from 6 submitters: Uncertain significance (2); Benign (1); Likely benign (3). Last evaluated 2026-01-26.

Conditions:
Inborn genetic diseases. Identifiers: MedGen C0950123, MeSH D030342.
Mowat-Wilson syndrome (MOWS). Also called: Classic Mowat-Wilson Syndrome. Identifiers: Orphanet 2152, MedGen C1856113, MONDO:0009341, OMIM 235730.

Allele frequency attached by ClinVar (database versions not stated): ExAC 0.00001; gnomAD exomes 0.00004 and 0.00013; gnomAD 0.00005; TOPMed 0.00006.
gnomAD v4.1: 191 of 1,613,634 alleles (0.012%); highest among the groups gnomAD compares: Non-Finnish European, 0.016%; no homozygotes.

Submissions (6):

Labcorp Genetics (formerly Invitae), Labcorp
Classification: Likely benign for Mowat-Wilson syndrome. Last evaluated: 2026-01-26. Review status: criteria provided, single submitter. Criteria: Invitae Variant Classification Sherloc (09022015). Collection method: clinical testing. Allele origin: germline.

Genome-Nilou Lab
Classification: Likely benign for Mowat-Wilson syndrome. Last evaluated: 2021-11-07. Review status: criteria provided, single submitter. Criteria: ACMG Guidelines, 2015. Collection method: clinical testing. Allele origin: germline. Affected: no.

Ambry Genetics
Classification: Likely benign for Inborn genetic diseases. Last evaluated: 2019-06-11. Review status: criteria provided, single submitter. Criteria: Ambry Variant Classification Scheme 2023. Collection method: clinical testing. Allele origin: germline.

Baylor Genetics
Classification: Uncertain significance for Mowat-Wilson syndrome. Last evaluated: 2018-05-16. Review status: criteria provided, single submitter. Criteria: ACMG Guidelines, 2015. Collection method: clinical testing. Allele origin: paternal. Affected: yes.
Comment: This variant was determined to be of uncertain significance according to ACMG Guidelines, 2015 [PMID:25741868].

GeneDx
Classification: Benign. Last evaluated: 2015-08-27. Review status: criteria provided, single submitter. Criteria: GeneDx Variant Classification Process June 2021. Collection method: clinical testing. Allele origin: germline. Affected: yes.
Comment: This variant is associated with the following publications: (PMID: 9373003)

Eurofins Ntd Llc (ga)
Classification: Uncertain significance. Last evaluated: 2014-11-13. Review status: criteria provided, single submitter. Criteria: EGL Classification Definitions 2015. Collection method: clinical testing. Allele origin: germline. Observed: 2 variant alleles, 2 heterozygotes.